The following is an entry in ClinVar:

ClinVar aggregate classification (germline): Likely pathogenic. Review status: criteria provided, multiple submitters, no conflicts (2 of 4 stars). 2 submissions from 2 submitters: Likely pathogenic (2). Last evaluated 2026-07-29.

Conditions:
Autosomal recessive limb-girdle muscular dystrophy type 2D (LGMDR3). Also called: DUCHENNE-LIKE AUTOSOMAL RECESSIVE MUSCULAR DYSTROPHY, TYPE 2; ADHALINOPATHY, PRIMARY; MUSCULAR DYSTROPHY, LIMB-GIRDLE, AUTOSOMAL RECESSIVE 3. Identifiers: Orphanet 62, MedGen C2936332, MONDO:0011968, OMIM 608099. Disease mechanism: Affects gamma-sarcoglycan and also disrupts the integrity of the entire sarcoglycan complex..

Allele frequency attached by ClinVar (database versions not stated): gnomAD exomes below 0.00001.
gnomAD v4.1: 2 of 1,558,442 alleles (0.00013%); highest among the groups gnomAD compares: Non-Finnish European, 0.00017%; no homozygotes.

Submissions (2):

Myriad Genetics, Inc.
Classification: Likely pathogenic for Autosomal recessive limb-girdle muscular dystrophy type 2D. Last evaluated: 2026-07-29. Review status: criteria provided, single submitter. Criteria: Myriad Autosomal Dominant, Autosomal Recessive and X-Linked Classification Criteria (2023). Collection method: clinical testing. Allele origin: unknown.
Comment: NM_000023.2(SGCA):c.584+5G>A is an intronic variant classified as likely pathogenic in the context of alpha-sarcoglycanopathy. c.584+5G>A has been observed in cases with relevant disease (PMID: 20623375, 37644014, 38876406, 34281632). Relevant functional assessments of this variant are available in the literature (PMID: 32552793). c.584+5G>A has not been observed in referenced population frequency databases. In summary, NM_000023.2(SGCA):c.584+5G>A is an intronic variant that has been observed more frequently in cases with the relevant disease than in healthy populations. Please note: this variant was assessed in the context of healthy population screening.

Revvity Omics, Revvity
Classification: Likely pathogenic for Autosomal recessive limb-girdle muscular dystrophy type 2D. Last evaluated: 2024-04-11. Review status: criteria provided, single submitter. Criteria: ACMG Guidelines, 2015. Collection method: clinical testing. Allele origin: germline.

Literature cited by the submitters: PubMed 20623375 (cited by Myriad Genetics, Inc.); PubMed 32552793 (cited by Myriad Genetics, Inc.); PubMed 34281632 (cited by Myriad Genetics, Inc.); PubMed 37644014 (cited by Myriad Genetics, Inc.); PubMed 38876406 (cited by Myriad Genetics, Inc.).

NM_000023.4(SGCA):c.584+5G>A

Gene: SGCA (sarcoglycan alpha; plus strand). Cytogenetic location: 17q21.33.
Variant type: single nucleotide variant.
Coding change: c.584+5G>A on transcript NM_000023.4 (MANE Select); 5 bases into the intron after coding-DNA position 584, G replaced by A.
Molecular consequence: intron variant.
Genome position (GRCh38, 1-based): chr17:50,168,577, G>A. VCF-style: chr17-50168577-G-A. GRCh37 (hg19) VCF-style: chr17-48245938-G-A.
Other names: c.584+5G>A (NM_001135697.3).
Identifiers: ClinVar variation 2690697 (VCV002690697.4), dbSNP rs2509122255, ClinGen allele CA2638705025.